The following is an entry in ClinVar:

ClinVar aggregate classification (germline): Uncertain significance (1 of 4 stars; one submission).

Conditions:
Neurofibromatosis, type 2 (SWNV). Also called: BILATERAL ACOUSTIC NEUROFIBROMATOSIS; SCHWANNOMATOSIS, VESTIBULAR; NF2-Related Schwannomatosis. Identifiers: Orphanet 637, MedGen C0027832, MONDO:0007039, OMIM 101000. Disease mechanism: loss of function.

Submission:

Labcorp Genetics (formerly Invitae), Labcorp
Classification: Uncertain significance for Neurofibromatosis, type 2. Last evaluated: 2024-08-31. Review status: criteria provided, single submitter. Criteria: Invitae Variant Classification Sherloc (09022015). Collection method: clinical testing. Allele origin: germline.
Comment: This sequence change falls in intron 15 of the NF2 gene. It does not directly change the encoded amino acid sequence of the NF2 protein. This variant is not present in population databases (gnomAD no frequency). This variant has not been reported in the literature in individuals affected with NF2-related conditions. Algorithms developed to predict the effect of sequence changes on RNA splicing suggest that this variant may disrupt the consensus splice site. In summary, the available evidence is currently insufficient to determine the role of this variant in disease. Therefore, it has been classified as a Variant of Uncertain Significance.

NM_000268.4(NF2):c.1738-4del

Gene: NF2 (NF2, moesin-ezrin-radixin like (MERLIN) tumor suppressor; plus strand). Cytogenetic location: 22q12.2.
Variant type: Deletion.
Coding change: c.1738-4del on transcript NM_000268.4 (MANE Select); 4 bases into the intron before coding-DNA position 1738, one base deleted (A; older notation c.1738-4delA).
Molecular consequence: intron variant.
Genome position (GRCh38, 1-based): chr22:29,694,748, A deleted. VCF-style (leftmost placement, unchanged base first): chr22-29694747-TA-T. GRCh37 (hg19) VCF-style: chr22-30090736-TA-T.
Other names: c.*10-4del (NM_016418.5, NM_001407056.1, NM_001407067.1 and 5 more transcripts); c.1624-4del (NM_001407053.1); c.*25-4del (NM_181832.3, NM_001407058.1, NM_001407063.1); c.1575-4del (NM_001407060.1); c.1603-4del (NM_001407057.1); c.448-4del (NM_181833.3); c.1615-4del (NM_001407054.1); c.1480-4del (NM_001407062.1); and 2 more.
Identifiers: ClinVar variation 3664026 (VCV003664026.2).